The following is an entry in ClinVar:

NM_019066.5(MAGEL2):c.1077_1079del (p.Ala360del)

Gene: MAGEL2 (MAGE family member L2; minus strand). Cytogenetic location: 15q11.2.
Variant type: Deletion.
Coding change: c.1077_1079del on transcript NM_019066.5 (MANE Select); coding-DNA positions 1077 to 1079, 3 bases deleted (AGC; older notation c.1077_1079delAGC).
Protein change: p.Ala360del; deletes alanine 360.
Molecular consequence: inframe deletion.
Genome position (GRCh38, 1-based): chr15:23,646,664-23,646,666, GCT deleted on the plus strand (AGC on the coding strand, the reverse complement: MAGEL2 is on the minus strand); deleting any 3 consecutive bases within chr15:23,646,664-23,646,667 gives the same sequence; the c. name uses the placement nearest the transcript's 3' end. VCF-style (leftmost placement, unchanged base first): chr15-23646663-CGCT-C. GRCh37 (hg19) VCF-style: chr15-23891810-CGCT-C.
Other names: short protein forms A360del.
Identifiers: ClinVar variation 4057126 (VCV004057126.3).

ClinVar aggregate classification (germline): Uncertain significance. Review status: criteria provided, multiple submitters, no conflicts (2 of 4 stars). 2 submissions from 2 submitters: Uncertain significance (2). Last evaluated 2025-01-09.

Submissions (2):

GeneDx
Classification: Uncertain significance. Last evaluated: 2025-01-09. Review status: criteria provided, single submitter. Criteria: GeneDx Variant Classification Process June 2021. Collection method: clinical testing. Allele origin: germline. Affected: yes.
Comment: Not observed at significant frequency in large population cohorts (gnomAD); In-frame deletion of 1 amino acid in a non-repeat region; Has not been previously published as pathogenic or benign to our knowledge; In-silico analysis is inconclusive as to whether the variant impacts protein structure/function. In the absence of functional studies, the actual effect of this sequence change is unknown

Dasa
Classification: Uncertain significance. Last evaluated: 2024-08-27. Review status: criteria provided, single submitter. Criteria: DASA Assertion Criteria. Collection method: clinical testing. Allele origin: germline.
Comment: NM_019066.5(MAGEL2):c.1077_1079del (p.Ala360del) is an in-frame deletion predicted to remove alanine at protein position 360 without shifting the reading frame. This variant is rare in population databases. The currently available literature and clinical evidence are not sufficient to establish a definitive association between this variant and the reported condition. Therefore, this variant is classified as a variant of uncertain significance.